The following is an entry in ClinVar:

NM_005529.7(HSPG2):c.5533A>G (p.Met1845Val)

Gene: HSPG2 (heparan sulfate proteoglycan 2; minus strand). Cytogenetic location: 1p36.12.
Variant type: single nucleotide variant.
Coding change: c.5533A>G on transcript NM_005529.7 (MANE Select); coding-DNA position 5533, A replaced by G.
Protein change: p.Met1845Val; replaces methionine 1845 with valine.
Molecular consequence: missense variant.
Genome position (GRCh38, 1-based): chr1:21,857,057, T>C on the plus strand (A>G on the coding strand, the complement: HSPG2 is on the minus strand). VCF-style: chr1-21857057-T-C. GRCh37 (hg19) VCF-style: chr1-22183550-T-C.
Other names: c.5536A>G, p.Met1846Val (NM_001291860.2); short protein forms M1845V, M1846V.
Identifiers: ClinVar variation 4077281 (VCV004077281.1).

ClinVar aggregate classification (germline): Uncertain significance (1 of 4 stars; one submission).

Submission:

GeneDx
Classification: Uncertain significance. Last evaluated: 2025-02-28. Review status: criteria provided, single submitter. Criteria: GeneDx Variant Classification Process June 2021. Collection method: clinical testing. Allele origin: germline. Affected: yes.
Comment: Not observed at significant frequency in large population cohorts (gnomAD); In silico analysis indicates that this missense variant does not alter protein structure/function; Has not been previously published as pathogenic or benign to our knowledge